The following is an entry in ClinVar:

ClinVar aggregate classification (germline): Uncertain significance. Review status: criteria provided, multiple submitters, no conflicts (2 of 4 stars). 3 submissions from 3 submitters: Uncertain significance (3). Last evaluated 2025-12-22.

Conditions:
Costello syndrome (CSTLO). Also called: FACIOCUTANEOSKELETAL SYNDROME; FCS SYNDROME; HRAS-Related Costello Syndrome. Identifiers: Orphanet 3071, MedGen C0587248, MONDO:0009026, OMIM 218040.
Cardiovascular phenotype. Identifiers: MedGen CN230736.

Allele frequency attached by ClinVar (database versions not stated): gnomAD exomes below 0.00001; gnomAD 0.00001.
gnomAD v4.1: 16 of 1,612,904 alleles (0.00099%); highest among the groups gnomAD compares: African/African-American, 0.0013%; no homozygotes.

Submissions (3):

Labcorp Genetics (formerly Invitae), Labcorp
Classification: Uncertain significance for Costello syndrome. Last evaluated: 2025-12-22. Review status: criteria provided, single submitter. Criteria: Invitae Variant Classification Sherloc (09022015). Collection method: clinical testing. Allele origin: germline.
Comment: This sequence change replaces proline, which is neutral and non-polar, with serine, which is neutral and polar, at codon 179 of the HRAS protein (p.Pro179Ser). This variant is present in population databases (no rsID available, gnomAD 0.0009%). This variant has not been reported in the literature in individuals affected with HRAS-related conditions. ClinVar contains an entry for this variant (Variation ID: 1422549). Invitae Evidence Modeling of protein sequence and biophysical properties (such as structural, functional, and spatial information, amino acid conservation, physicochemical variation, residue mobility, and thermodynamic stability) indicates that this missense variant is not expected to disrupt HRAS protein function with a negative predictive value of 95%. In summary, the available evidence is currently insufficient to determine the role of this variant in disease. Therefore, it has been classified as a Variant of Uncertain Significance.

GeneDx
Classification: Uncertain significance. Last evaluated: 2022-09-30. Review status: criteria provided, single submitter. Criteria: GeneDx Variant Classification Process June 2021. Collection method: clinical testing. Allele origin: germline. Affected: yes.
Comment: Missense variants in this gene are often considered pathogenic (HGMD); In silico analysis supports that this missense variant does not alter protein structure/function; Has not been previously published as pathogenic or benign to our knowledge

Ambry Genetics
Classification: Uncertain significance for Cardiovascular phenotype. Last evaluated: 2022-04-01. Review status: criteria provided, single submitter. Criteria: Ambry Variant Classification Scheme 2023. Collection method: clinical testing. Allele origin: germline.
Comment: The p.P179S variant (also known as c.535C>T), located in coding exon 4 of the HRAS gene, results from a C to T substitution at nucleotide position 535. The proline at codon 179 is replaced by serine, an amino acid with similar properties. This amino acid position is conserved. In addition, this alteration is predicted to be tolerated by in silico analysis. Since supporting evidence is limited at this time, the clinical significance of this alteration remains unclear.

NM_005343.4(HRAS):c.535C>T (p.Pro179Ser)

Genes: HRAS (HRas proto-oncogene, GTPase; minus strand), LRRC56 (leucine rich repeat containing 56; plus strand). Cytogenetic location: 11p15.5.
Variant type: single nucleotide variant.
Coding change: c.535C>T on transcript NM_005343.4 (MANE Select); coding-DNA position 535, C replaced by T.
Protein change: p.Pro179Ser; replaces proline 179 with serine.
Molecular consequence: missense variant. On other transcripts: 3 prime UTR variant (1).
Genome position (GRCh38, 1-based): chr11:532,671, G>A on the plus strand (C>T on the coding strand, the complement: HRAS is on the minus strand). VCF-style: chr11-532671-G-A. GRCh37 (hg19) VCF-style: chr11-532671-G-A.
Other names: c.535C>T, p.Pro179Ser (NM_001130442.3); c.298C>T, p.Pro100Ser (NM_001318054.2); c.*104C>T (NM_176795.5); short protein forms P179S, P100S.
Identifiers: ClinVar variation 1422549 (VCV001422549.9), dbSNP rs1201430199, ClinGen allele CA378920992.
Genomic context (GRCh38, chr11:532,671, plus strand): 5'-GCCCTGGGAGTCCCCCTCACCTGCGTCAGGAGAGCACACACTTGCAGCTCATGCAGCCGG[G>A]GCCACTCTCATCAGGAGGGTTCAGCTTCCGCAGCTTGTGCTGCCGGATCTCACGCACCAA-3'
Protein context (NP_005334.1, residues 169-189): RKLNPPDESG[Pro179Ser]GCMSCKCVLS